The following is an entry in ClinVar:

NM_004172.5(SLC1A3):c.858G>A (p.Met286Ile)

Genes: SLC1A3 (solute carrier family 1 member 3; plus strand), SLC1A3-AS1 (SLC1A3 antisense RNA 1; minus strand). Cytogenetic location: 5p13.2.
Variant type: single nucleotide variant.
Coding change: c.858G>A on transcript NM_004172.5 (MANE Select); coding-DNA position 858, G replaced by A.
Protein change: p.Met286Ile; replaces methionine 286 with isoleucine.
Molecular consequence: missense variant. On other transcripts: intron variant (1).
Genome position (GRCh38, 1-based): chr5:36,677,182, G>A. VCF-style: chr5-36677182-G-A. GRCh37 (hg19) VCF-style: chr5-36677284-G-A.
Other names: c.858G>A, p.Met286Ile (NM_001166695.3); c.720G>A, p.Met240Ile (NM_001289939.2); c.525-2445G>A (NM_001289940.2); short protein forms M240I, M286I.
Identifiers: ClinVar variation 2712302 (VCV002712302.3), dbSNP rs769171398, ClinGen allele CA3235545.

ClinVar aggregate classification (germline): Uncertain significance (1 of 4 stars; one submission).

Allele frequency attached by ClinVar (database versions not stated): TOPMed 0.00001; gnomAD exomes 0.00003; ExAC 0.00005.
gnomAD v4.1: 15 of 1,612,468 alleles (0.00093%); highest among the groups gnomAD compares: Admixed American, 0.025%; no homozygotes.

Submission:

Labcorp Genetics (formerly Invitae), Labcorp
Classification: Uncertain significance. Last evaluated: 2026-01-08. Review status: criteria provided, single submitter. Criteria: Invitae Variant Classification Sherloc (09022015). Collection method: clinical testing. Allele origin: germline.
Comment: This sequence change replaces methionine, which is neutral and non-polar, with isoleucine, which is neutral and non-polar, at codon 286 of the SLC1A3 protein (p.Met286Ile). This variant is present in population databases (rs769171398, gnomAD 0.03%). This variant has not been reported in the literature in individuals affected with SLC1A3-related conditions. ClinVar contains an entry for this variant (Variation ID: 2712302). An algorithm developed to predict the effect of missense changes on protein structure and function (PolyPhen-2) suggests that this variant is likely to be tolerated. In summary, the available evidence is currently insufficient to determine the role of this variant in disease. Therefore, it has been classified as a Variant of Uncertain Significance.